The following is an entry in ClinVar:

ClinVar aggregate classification (germline): Pathogenic (1 of 4 stars; one submission).

Conditions:
Early-infantile DEE. Also called: Early infantile epileptic encephalopathy with suppression bursts; Early infantile epileptic encephalopathy; Ohtahara syndrome. Identifiers: Orphanet 1934, MedGen C0393706, MONDO:0800491.

Allele frequency attached by ClinVar (database versions not stated): TOPMed below 0.00001.

Submission:

Labcorp Genetics (formerly Invitae), Labcorp
Classification: Pathogenic for Early-infantile DEE. Last evaluated: 2024-01-19. Review status: criteria provided, single submitter. Criteria: Invitae Variant Classification Sherloc (09022015). Collection method: clinical testing. Allele origin: germline.
Comment: This sequence change creates a premature translational stop signal (p.Arg177*) in the ST3GAL3 gene. It is expected to result in an absent or disrupted protein product. Loss-of-function variants in ST3GAL3 are known to be pathogenic (PMID: 31584066). This variant is not present in population databases (gnomAD no frequency). This variant has not been reported in the literature in individuals affected with ST3GAL3-related conditions. ClinVar contains an entry for this variant (Variation ID: 1371937). For these reasons, this variant has been classified as Pathogenic.

Literature cited by the submitters: PubMed 31584066.

NM_006279.5(ST3GAL3):c.529C>T (p.Arg177Ter)

Gene: ST3GAL3 (ST3 beta-galactoside alpha-2,3-sialyltransferase 3; plus strand). Cytogenetic location: 1p34.1.
Variant type: single nucleotide variant.
Coding change: c.529C>T on transcript NM_006279.5 (MANE Select); coding-DNA position 529, C replaced by T.
Protein change: p.Arg177Ter; replaces arginine 177 with a stop codon.
Molecular consequence: nonsense. On other transcripts: non-coding transcript variant (7), intron variant (4).
Genome position (GRCh38, 1-based): chr1:43,899,235, C>T. VCF-style: chr1-43899235-C-T. GRCh37 (hg19) VCF-style: chr1-44364907-C-T.
Other names: c.529C>T, p.Arg177Ter (NM_001270459.2, NM_001350620.2, NM_174966.4); c.436C>T, p.Arg146Ter (NM_001270460.2); c.481C>T, p.Arg161Ter (NM_001270461.3, NM_001270464.3, NM_174969.4); c.388C>T, p.Arg130Ter (NM_001270462.3); c.526C>T, p.Arg176Ter (NM_001270463.3, NM_001270465.3); c.574C>T, p.Arg192Ter (NM_001350619.2, NM_174964.4); c.442+4758C>T (NM_174965.4); c.397+4758C>T (NM_174967.4); and 6 more; short protein forms R130*, R146*, R161*, R177*, R192*, R246*, R84*, R176*.
Identifiers: ClinVar variation 1371937 (VCV001371937.7), dbSNP rs2077858180, ClinGen allele CA340270051.